The following is an entry in ClinVar:

ClinVar aggregate classification (germline): Uncertain significance (1 of 4 stars; one submission).

Allele frequency attached by ClinVar (database versions not stated): gnomAD exomes below 0.00001.
gnomAD v4.1: 3 of 1,613,382 alleles (0.00019%); highest among the groups gnomAD compares: Middle Eastern, 0.017%; no homozygotes.

Submission:

CeGaT Center for Human Genetics Tuebingen
Classification: Uncertain significance. Last evaluated: 2022-12-01. Review status: criteria provided, single submitter. Criteria: CeGaT Center For Human Genetics Tuebingen Variant Classification Criteria Version 2. Collection method: clinical testing. Allele origin: germline. Affected: yes. Observed: 1 variant allele.
Comment: DHX37: PM2

NM_032656.4(DHX37):c.1105G>A (p.Val369Met)

Gene: DHX37 (DEAH-box helicase 37; minus strand). Cytogenetic location: 12q24.31.
Variant type: single nucleotide variant.
Coding change: c.1105G>A on transcript NM_032656.4 (MANE Select); coding-DNA position 1105, G replaced by A.
Protein change: p.Val369Met; replaces valine 369 with methionine.
Molecular consequence: missense variant.
Genome position (GRCh38, 1-based): chr12:124,971,388, C>T on the plus strand (G>A on the coding strand, the complement: DHX37 is on the minus strand). VCF-style: chr12-124971388-C-T. GRCh37 (hg19) VCF-style: chr12-125455934-C-T.
Other names: short protein forms V369M.
Identifiers: ClinVar variation 2643580 (VCV002643580.24), dbSNP rs1033470433, ClinGen allele CA245272827.